The following is an entry in ClinVar:

ClinVar aggregate classification (germline): Pathogenic (1 of 4 stars; one submission).

Submission:

Labcorp Genetics (formerly Invitae), Labcorp
Classification: Pathogenic. Last evaluated: 2023-07-12. Review status: criteria provided, single submitter. Criteria: Invitae Variant Classification Sherloc (09022015). Collection method: clinical testing. Allele origin: germline.
Comment: For these reasons, this variant has been classified as Pathogenic. Algorithms developed to predict the effect of sequence changes on RNA splicing suggest that this variant may disrupt the consensus splice site. Disruption of this splice site has been observed in individuals with Usher syndrome (PMID: 22004887, 26927203). This variant is not present in population databases (gnomAD no frequency). This sequence change affects a donor splice site in intron 7 of the USH2A gene. It is expected to disrupt RNA splicing. Variants that disrupt the donor or acceptor splice site typically lead to a loss of protein function (PMID: 16199547), and loss-of-function variants in USH2A are known to be pathogenic (PMID: 10729113, 10909849, 20507924, 25649381).

Literature cited by the submitters: PubMed 22004887; PubMed 26927203; PubMed 16199547; PubMed 10729113; PubMed 10909849; PubMed 20507924; PubMed 25649381.

NM_206933.4(USH2A):c.1328+1G>C

Gene: USH2A (usherin; minus strand). Cytogenetic location: 1q41.
Variant type: single nucleotide variant.
Coding change: c.1328+1G>C on transcript NM_206933.4 (MANE Select); the canonical splice donor site of the intron after coding-DNA position 1328, G replaced by C.
Molecular consequence: splice donor variant.
Genome position (GRCh38, 1-based): chr1:216,324,167, C>G on the plus strand (G>C on the coding strand, the complement: USH2A is on the minus strand). VCF-style: chr1-216324167-C-G. GRCh37 (hg19) VCF-style: chr1-216497509-C-G.
Other names: c.1328+1G>C (NM_007123.6).
Identifiers: ClinVar variation 2729539 (VCV002729539.3), dbSNP rs2527435971, ClinGen allele CA344911319.